The following is an entry in ClinVar:

ClinVar aggregate classification (germline): Pathogenic. Review status: criteria provided, multiple submitters, no conflicts (2 of 4 stars). 3 submissions from 3 submitters: Pathogenic (2). 1 of the submissions does not count toward it. Last evaluated 2026-04-22.

Conditions:
Pituitary hormone deficiency.
Septo-optic dysplasia sequence (SOD). Also called: DE MORSIER SYNDROME; Septo-optic dysplasia. Identifiers: Orphanet 3157, MedGen C0338503, MONDO:0008428, OMIM 182230, HP:0100842.
GROWTH HORMONE DEFICIENCY WITH PITUITARY ANOMALIES. Identifiers: MedGen C2750027, OMIM 182230.

Allele frequency attached by ClinVar (database versions not stated): ExAC 0.00001; gnomAD exomes 0.00001 and 0.00002.
gnomAD v4.1: 27 of 1,612,454 alleles (0.0017%); highest among the groups gnomAD compares: South Asian, 0.0033%; no homozygotes.

Submissions (3):

NHS Central & South Genomic Laboratory Hub
Classification: Pathogenic for Pituitary hormone deficiency. Last evaluated: 2026-04-22. Review status: criteria provided, single submitter. Criteria: ACMG Guidelines, 2015. Collection method: clinical testing. Allele origin: germline. Affected: yes.

Labcorp Genetics (formerly Invitae), Labcorp
Classification: Pathogenic for GROWTH HORMONE DEFICIENCY WITH PITUITARY ANOMALIES; Septo-optic dysplasia sequence. Last evaluated: 2024-05-07. Review status: criteria provided, single submitter. Criteria: Invitae Variant Classification Sherloc (09022015). Collection method: clinical testing. Allele origin: germline.
Comment: This sequence change replaces arginine, which is basic and polar, with cysteine, which is neutral and slightly polar, at codon 160 of the HESX1 protein (p.Arg160Cys). This variant is present in population databases (rs28936702, gnomAD 0.002%). This missense change has been observed in individual(s) with autosomal recessive septo-optic dysplasia (PMID: 9620767, 25500790, 27000987, 33098107). It has also been observed to segregate with disease in related individuals. This variant is also known as Arg53Cys. ClinVar contains an entry for this variant (Variation ID: 7691). An algorithm developed to predict the effect of missense changes on protein structure and function (PolyPhen-2) suggests that this variant is likely to be disruptive. Experimental studies have shown that this missense change affects HESX1 function (PMID: 9620767, 11748154, 19093031, 25910213). Algorithms developed to predict the effect of sequence changes on RNA splicing suggest that this variant may disrupt the consensus splice site. For these reasons, this variant has been classified as Pathogenic.

OMIM
Classification: Pathogenic for SEPTOOPTIC DYSPLASIA. Last evaluated: 1998-06-01. Review status: no assertion criteria provided. Collection method: literature only. Allele origin: germline. Not counted in ClinVar's aggregate classification.

Literature cited by the submitters: PubMed 9620767 (cited by Labcorp Genetics (formerly Invitae), Labcorp and OMIM); PubMed 25500790 (cited by Labcorp Genetics (formerly Invitae), Labcorp); PubMed 27000987 (cited by Labcorp Genetics (formerly Invitae), Labcorp); PubMed 33098107 (cited by Labcorp Genetics (formerly Invitae), Labcorp); PubMed 11748154 (cited by Labcorp Genetics (formerly Invitae), Labcorp); PubMed 19093031 (cited by Labcorp Genetics (formerly Invitae), Labcorp); PubMed 25910213 (cited by Labcorp Genetics (formerly Invitae), Labcorp); PubMed 8696006 (cited by OMIM).

NM_003865.3(HESX1):c.478C>T (p.Arg160Cys)

Gene: HESX1 (HESX homeobox 1; minus strand). Cytogenetic location: 3p14.3.
Variant type: single nucleotide variant.
Coding change: c.478C>T on transcript NM_003865.3 (MANE Select); coding-DNA position 478, C replaced by T.
Protein change: p.Arg160Cys; replaces arginine 160 with cysteine.
Molecular consequence: missense variant.
Genome position (GRCh38, 1-based): chr3:57,198,277, G>A on the plus strand (C>T on the coding strand, the complement: HESX1 is on the minus strand). VCF-style: chr3-57198277-G-A. GRCh37 (hg19) VCF-style: chr3-57232305-G-A.
Other names: short protein forms R160C.
Identifiers: ClinVar variation 7691 (VCV000007691.6), dbSNP rs28936702, ClinGen allele CA118999.